The following is an entry in ClinVar:

NM_024537.4(CARS2):c.657G>A (p.Ala219=)

Gene: CARS2 (cysteinyl-tRNA synthetase 2, mitochondrial; minus strand). Cytogenetic location: 13q34.
Variant type: single nucleotide variant.
Coding change: c.657G>A on transcript NM_024537.4 (MANE Select); coding-DNA position 657, G replaced by A.
Protein change: p.Ala219=; no amino-acid change (alanine 219 retained).
Molecular consequence: synonymous variant. On other transcripts: 5 prime UTR variant (1), non-coding transcript variant (2).
Genome position (GRCh38, 1-based): chr13:110,677,102, C>T on the plus strand (G>A on the coding strand, the complement: CARS2 is on the minus strand). VCF-style: chr13-110677102-C-T. GRCh37 (hg19) VCF-style: chr13-111329449-C-T.
Other names: c.657G>A (NM_024537.2); c.-130G>A (NM_001352252.2); c.657G>A, p.Ala219= (NM_001352253.3).
Identifiers: ClinVar variation 788211 (VCV000788211.11), dbSNP rs375938059, ClinGen allele CA7052111.

ClinVar aggregate classification (germline): Conflicting classifications of pathogenicity. Review status: criteria provided, conflicting classifications (1 of 4 stars). 2 submissions from 2 submitters: Uncertain significance (1); Likely benign (1). Last evaluated 2025-03-30.

Conditions:
Combined oxidative phosphorylation defect type 27. Also called: Combined oxidative phosphorylation deficiency 27. Identifiers: Orphanet 477774, MedGen C5567608, MONDO:0014728, OMIM 616672.

Allele frequency attached by ClinVar (database versions not stated): gnomAD 0.00004 and 0.00005; gnomAD exomes 0.00011 and 0.00004; ExAC 0.00020; TOPMed 0.00003; ESP Exome Variant Server 0.00008.

Submissions (2):

GeneDx
Classification: Uncertain significance. Last evaluated: 2025-03-30. Review status: criteria provided, single submitter. Criteria: GeneDx Variant Classification Process June 2021. Collection method: clinical testing. Allele origin: germline. Affected: yes.
Comment: In silico analysis supports a deleterious effect on splicing; Has not been previously published as pathogenic or benign to our knowledge

Labcorp Genetics (formerly Invitae), Labcorp
Classification: Likely benign for Combined oxidative phosphorylation defect type 27. Last evaluated: 2025-01-12. Review status: criteria provided, single submitter. Criteria: Invitae Variant Classification Sherloc (09022015). Collection method: clinical testing. Allele origin: germline.